The following is an entry in ClinVar:

NC_000007.13:g.(?_116395399)_(116395579_?)dup

Gene: MET (MET proto-oncogene, receptor tyrosine kinase; plus strand). Cytogenetic location: 7q31.2.
Variant type: Duplication.
Identifiers: ClinVar variation 643144 (VCV000643144.6).

ClinVar aggregate classification (germline): Uncertain significance. Review status: criteria provided, single submitter (1 of 4 stars). 2 submissions from 1 submitter: Uncertain significance (2). Last evaluated 2018-11-02.

Conditions:
Renal cell carcinoma. Identifiers: Orphanet 217071, MedGen C0007134, MeSH D002292, MONDO:0005086, HP:0005584.
Papillary renal cell carcinoma type 1 (RCCP1). Also called: Renal adenocarcinoma; Renal cell carcinoma 1; Renal cell carcinoma, somatic; RENAL CELL CARCINOMA, PAPILLARY, 1, SOMATIC. Identifiers: Orphanet 47044, MedGen C1336839, OMIM 605074, HP:0011797.

Submissions (2):

Labcorp Genetics (formerly Invitae), Labcorp
Classification: Uncertain significance for Renal cell carcinoma, papillary, 1. Last evaluated: 2018-11-02. Review status: criteria provided, single submitter. Criteria: Invitae Variant Classification Sherloc (09022015). Collection method: clinical testing. Allele origin: germline.
Comment: This variant results in a copy number gain of the genomic region encompassing exon 6 of the MET gene. While the exact position of this variant cannot be determined from this data, sub-genic copy number gains are generally in tandem (PMID: 25640679) and may result in an absent or disrupted protein product. This variant has not been reported in the literature in individuals with MET-related disease. The current clinical and genetic evidence is not sufficient to establish whether loss-of-function variants in MET cause disease. In summary, the available evidence is currently insufficient to determine the role of this variant in disease. Therefore, it has been classified as a Variant of Uncertain Significance.

Labcorp Genetics (formerly Invitae), Labcorp
Classification: Uncertain significance for Renal cell carcinoma. Last evaluated: 2018-10-14. Review status: criteria provided, single submitter. Criteria: Invitae Variant Classification Sherloc (09022015). Collection method: clinical testing. Allele origin: germline.
Comment: In summary, the available evidence is currently insufficient to determine the role of this variant in disease. Therefore, it has been classified as a Variant of Uncertain Significance. The current clinical and genetic evidence is not sufficient to establish whether loss-of-function variants in MET cause disease. This variant has not been reported in the literature in individuals with MET-related disease. This variant results in a copy number gain of the genomic region encompassing exon 6 of the MET gene. While the exact position of this variant cannot be determined from this data, sub-genic copy number gains are generally in tandem (PMID: 25640679) and may result in an absent or disrupted protein product.

Literature cited by the submitters: PubMed 25640679.